The following is an entry in ClinVar:

ClinVar aggregate classification (germline): Uncertain significance (1 of 4 stars; one submission).

Conditions:
Hereditary cancer-predisposing syndrome. Also called: Neoplastic Syndromes, Hereditary; Hereditary neoplastic syndrome; Tumor predisposition; Hereditary Cancer Syndrome. Identifiers: Orphanet 140162, MedGen C0027672, MeSH D009386, MONDO:0015356.

Submission:

Ambry Genetics
Classification: Uncertain significance for Hereditary cancer-predisposing syndrome. Last evaluated: 2015-04-17. Review status: criteria provided, single submitter. Criteria: Ambry Variant Classification Scheme 2023. Collection method: clinical testing. Allele origin: germline.
Comment: The p.F2217Y variant (also known as c.6650T>A), located in coding exon 45 of the ATM gene, results from a T to A substitution at nucleotide position 6650. The phenylalanine at codon 2217 is replaced by tyrosine, an amino acid with highly similar properties. This amino acid position is highly conserved in available vertebrate species. In addition, the in silico prediction for this alteration is inconclusive. Since supporting evidence is limited at this time, the clinical significance of this alteration remains unclear.

NM_000051.4(ATM):c.6650T>A (p.Phe2217Tyr)

Genes: ATM (ATM serine/threonine kinase; plus strand), C11orf65 (chromosome 11 open reading frame 65; minus strand). Cytogenetic location: 11q22.3.
Variant type: single nucleotide variant.
Coding change: c.6650T>A on transcript NM_000051.4 (MANE Select); coding-DNA position 6650, T replaced by A.
Protein change: p.Phe2217Tyr; replaces phenylalanine 2217 with tyrosine.
Molecular consequence: missense variant. On other transcripts: intron variant (2).
Genome position (GRCh38, 1-based): chr11:108,325,387, T>A. VCF-style: chr11-108325387-T-A. GRCh37 (hg19) VCF-style: chr11-108196114-T-A.
Other names: c.6650T>A, p.Phe2217Tyr (NM_001351834.2); c.641-16316A>T (NM_001330368.2); c.*38+9833A>T (NM_001351110.2); short protein forms F2217Y.
Identifiers: ClinVar variation 231339 (VCV000231339.7), dbSNP rs876659101, ClinGen allele CA10579229.